The following is an entry in ClinVar:

ClinVar aggregate classification (germline): Uncertain significance (1 of 4 stars; one submission).

Allele frequency attached by ClinVar (database versions not stated): ExAC 0.00001; TOPMed 0.00002.

Submission:

Labcorp Genetics (formerly Invitae), Labcorp
Classification: Uncertain significance. Last evaluated: 2025-03-31. Review status: criteria provided, single submitter. Criteria: Invitae Variant Classification Sherloc (09022015). Collection method: clinical testing. Allele origin: germline.
Comment: This sequence change replaces alanine, which is neutral and non-polar, with glutamic acid, which is acidic and polar, at codon 50 of the UNC45B protein (p.Ala50Glu). This variant is present in population databases (rs750952595, gnomAD 0.007%). This variant has not been reported in the literature in individuals affected with UNC45B-related conditions. ClinVar contains an entry for this variant (Variation ID: 1979249). Invitae Evidence Modeling of protein sequence and biophysical properties (such as structural, functional, and spatial information, amino acid conservation, physicochemical variation, residue mobility, and thermodynamic stability) indicates that this missense variant is expected to disrupt UNC45B protein function with a positive predictive value of 80%. In summary, the available evidence is currently insufficient to determine the role of this variant in disease. Therefore, it has been classified as a Variant of Uncertain Significance.

NM_001267052.2(UNC45B):c.149C>A (p.Ala50Glu)

Gene: UNC45B (unc-45 myosin chaperone B; plus strand). Cytogenetic location: 17q12.
Variant type: single nucleotide variant.
Coding change: c.149C>A on transcript NM_001267052.2 (MANE Select); coding-DNA position 149, C replaced by A.
Protein change: p.Ala50Glu; replaces alanine 50 with glutamic acid.
Molecular consequence: missense variant.
Genome position (GRCh38, 1-based): chr17:35,148,412, C>A. VCF-style: chr17-35148412-C-A. GRCh37 (hg19) VCF-style: chr17-33475431-C-A.
Other names: c.149C>A, p.Ala50Glu (NM_001033576.2, NM_001308281.1, NM_173167.3); short protein forms A50E.
Identifiers: ClinVar variation 1979249 (VCV001979249.4), dbSNP rs750952595, ClinGen allele CA8500672.